The following is an entry in ClinVar:

ClinVar aggregate classification (germline): Uncertain significance. Review status: criteria provided, multiple submitters, no conflicts (2 of 4 stars). 4 submissions from 4 submitters: Uncertain significance (3). 1 of the submissions does not count toward it. Last evaluated 2025-07-28.

Conditions:
Age related macular degeneration 1 (ARMD1). Also called: MACULOPATHY, AGE-RELATED, 1. Identifiers: MedGen C1864205, MONDO:0011285, OMIM 603075.

Allele frequency attached by ClinVar (database versions not stated): gnomAD 0.00001; ExAC 0.00002; gnomAD exomes 0.00003; TOPMed 0.00006; ESP Exome Variant Server 0.00015; 1000 Genomes Project 30x 0.00016; 1000 Genomes Project 0.00020.
gnomAD v4.1: 49 of 1,592,396 alleles (0.0031%); highest among the groups gnomAD compares: Middle Eastern, 0.067%; no homozygotes.

Submissions (4):

Labcorp Genetics (formerly Invitae), Labcorp
Classification: Uncertain significance. Last evaluated: 2025-07-28. Review status: criteria provided, single submitter. Criteria: Invitae Variant Classification Sherloc (09022015). Collection method: clinical testing. Allele origin: germline.
Comment: This sequence change replaces glycine, which is neutral and non-polar, with arginine, which is basic and polar, at codon 886 of the HMCN1 protein (p.Gly886Arg). This variant is present in population databases (rs368702685, gnomAD 0.006%). This variant has not been reported in the literature in individuals affected with HMCN1-related conditions. ClinVar contains an entry for this variant (Variation ID: 1050432). An algorithm developed to predict the effect of missense changes on protein structure and function (PolyPhen-2) suggests that this variant is likely to be disruptive. In summary, the available evidence is currently insufficient to determine the role of this variant in disease. Therefore, it has been classified as a Variant of Uncertain Significance.

Ambry Genetics
Classification: Uncertain significance. Last evaluated: 2025-05-20. Review status: criteria provided, single submitter. Criteria: Ambry Variant Classification Scheme 2023. Collection method: clinical testing. Allele origin: germline.

Genome-Nilou Lab
Classification: Uncertain significance for Age related macular degeneration 1. Last evaluated: 2023-04-11. Review status: criteria provided, single submitter. Criteria: ACMG Guidelines, 2015. Collection method: clinical testing. Allele origin: germline. Affected: no.

Department of Pathology and Laboratory Medicine, Sinai Health System
Classification: Uncertain significance. Review status: no assertion criteria provided. Collection method: clinical testing. Allele origin: unknown. Affected: yes. Study: The Canadian Open Genetics Repository (COGR). Not counted in ClinVar's aggregate classification.

NM_031935.3(HMCN1):c.2656G>A (p.Gly886Arg)

Gene: HMCN1 (hemicentin 1; plus strand). Cytogenetic location: 1q31.1.
Variant type: single nucleotide variant.
Coding change: c.2656G>A on transcript NM_031935.3 (MANE Select); coding-DNA position 2656, G replaced by A.
Protein change: p.Gly886Arg; replaces glycine 886 with arginine.
Molecular consequence: missense variant.
Genome position (GRCh38, 1-based): chr1:185,981,067, G>A. VCF-style: chr1-185981067-G-A. GRCh37 (hg19) VCF-style: chr1-185950199-G-A.
Other names: c.2656G>A (NM_031935.2); short protein forms G886R.
Identifiers: ClinVar variation 1050432 (VCV001050432.9), dbSNP rs368702685, ClinGen allele CA1291450.